The following is an entry in ClinVar:

NM_004612.4(TGFBR1):c.200A>G (p.His67Arg)

Gene: TGFBR1 (transforming growth factor beta receptor 1; plus strand). Cytogenetic location: 9q22.33.
Variant type: single nucleotide variant.
Coding change: c.200A>G on transcript NM_004612.4 (MANE Select); coding-DNA position 200, A replaced by G.
Protein change: p.His67Arg; replaces histidine 67 with arginine.
Molecular consequence: missense variant. On other transcripts: 5 prime UTR variant (15), non-coding transcript variant (4), intron variant (3).
Genome position (GRCh38, 1-based): chr9:99,128,957, A>G. VCF-style: chr9-99128957-A-G. GRCh37 (hg19) VCF-style: chr9-101891239-A-G.
Other names: c.200A>G, p.His67Arg (NM_001130916.3, NM_001306210.2, NM_001407416.1 and 2 more transcripts); c.-8A>G (NM_001407418.1, NM_001407419.1, NM_001407420.1 and 12 more transcripts); c.98-3552A>G (NM_001407436.1); c.98-8902A>G (NM_001407438.1); c.98-13579A>G (NM_001407437.1); short protein forms H67R.
Identifiers: ClinVar variation 3635872 (VCV003635872.2).
Genomic context (GRCh38, chr9:99,128,957, plus strand): 5'-CTTGTGTGACAGATGGGCTCTGCTTTGTCTCTGTCACAGAGACCACAGACAAAGTTATAC[A>G]CAACAGCATGTGTATAGCTGAAATTGACTTAATTCCTCGAGATAGGCCGTTTGTATGTGC-3'
Protein context (NP_004603.1, residues 57-77): SVTETTDKVI[His67Arg]NSMCIAEIDL

ClinVar aggregate classification (germline): Uncertain significance (1 of 4 stars; one submission).

Conditions:
Familial thoracic aortic aneurysm and aortic dissection (TAAD). Also called: Thoracic aortic aneurysms and dissections. Identifiers: Orphanet 91387, MedGen C4707243, MONDO:0019625.

Submission:

Labcorp Genetics (formerly Invitae), Labcorp
Classification: Uncertain significance for Familial thoracic aortic aneurysm and aortic dissection. Last evaluated: 2024-04-03. Review status: criteria provided, single submitter. Criteria: Invitae Variant Classification Sherloc (09022015). Collection method: clinical testing. Allele origin: germline.
Comment: This sequence change replaces histidine, which is basic and polar, with arginine, which is basic and polar, at codon 67 of the TGFBR1 protein (p.His67Arg). This variant is not present in population databases (gnomAD no frequency). This variant has not been reported in the literature in individuals affected with TGFBR1-related conditions. Advanced modeling of protein sequence and biophysical properties (such as structural, functional, and spatial information, amino acid conservation, physicochemical variation, residue mobility, and thermodynamic stability) performed at Invitae indicates that this missense variant is not expected to disrupt TGFBR1 protein function with a negative predictive value of 95%. In summary, the available evidence is currently insufficient to determine the role of this variant in disease. Therefore, it has been classified as a Variant of Uncertain Significance.